The following is an entry in ClinVar:

NM_006424.3(SLC34A2):c.164C>G (p.Ser55Cys)

Gene: SLC34A2 (solute carrier family 34 member 2; plus strand). Cytogenetic location: 4p15.2.
Variant type: single nucleotide variant.
Coding change: c.164C>G on transcript NM_006424.3 (MANE Select); coding-DNA position 164, C replaced by G.
Protein change: p.Ser55Cys; replaces serine 55 with cysteine.
Molecular consequence: missense variant.
Genome position (GRCh38, 1-based): chr4:25,662,756, C>G. VCF-style: chr4-25662756-C-G. GRCh37 (hg19) VCF-style: chr4-25664378-C-G.
Other names: c.164C>G (NM_006424.2); c.161C>G, p.Ser54Cys (NM_001177998.2, NM_001177999.2); short protein forms S54C, S55C.
Identifiers: ClinVar variation 1391746 (VCV001391746.8), dbSNP rs78068143, ClinGen allele CA2879357.

ClinVar aggregate classification (germline): Uncertain significance. Review status: criteria provided, multiple submitters, no conflicts (2 of 4 stars). 2 submissions from 2 submitters: Uncertain significance (2). Last evaluated 2025-10-02.

Conditions:
Inborn genetic diseases. Identifiers: MedGen C0950123, MeSH D030342.

Allele frequency attached by ClinVar (database versions not stated): TOPMed 0.00006; ExAC 0.00007; ESP Exome Variant Server 0.00008; gnomAD 0.00008; gnomAD exomes 0.00011.

Submissions (2):

Labcorp Genetics (formerly Invitae), Labcorp
Classification: Uncertain significance. Last evaluated: 2025-10-02. Review status: criteria provided, single submitter. Criteria: Invitae Variant Classification Sherloc (09022015). Collection method: clinical testing. Allele origin: germline.
Comment: This sequence change replaces serine, which is neutral and polar, with cysteine, which is neutral and slightly polar, at codon 55 of the SLC34A2 protein (p.Ser55Cys). This variant is present in population databases (rs78068143, gnomAD 0.06%). This variant has not been reported in the literature in individuals affected with SLC34A2-related conditions. ClinVar contains an entry for this variant (Variation ID: 1391746). An algorithm developed to predict the effect of missense changes on protein structure and function (PolyPhen-2) suggests that this variant is likely to be disruptive. In summary, the available evidence is currently insufficient to determine the role of this variant in disease. Therefore, it has been classified as a Variant of Uncertain Significance.

Ambry Genetics
Classification: Uncertain significance for Inborn genetic diseases. Last evaluated: 2025-08-12. Review status: criteria provided, single submitter. Criteria: Ambry Variant Classification Scheme 2023. Collection method: clinical testing. Allele origin: germline.